The following is an entry in ClinVar:

NR_003137.3(RNU4-2):n.49C>T

Genes: RNU4-2 (RNA, U4 small nuclear 2; minus strand), SIRT4 (sirtuin 4; plus strand). Cytogenetic location: 12q24.23.
Variant type: single nucleotide variant.
Molecular consequence: non-coding transcript variant (on NR_003137.3).
Genome position: GRCh38 VCF-style: chr12-120291855-G-A. GRCh37 (hg19) VCF-style: chr12-120729658-G-A.
Identifiers: ClinVar variation 4851313 (VCV004851313.1).
Genomic context (GRCh38, chr12:120,291,855, plus strand): 5'-CGACTATATTTCAAGTCGTCATGGCGGGGTATTGGGAAAAGTTTTCAATTAGCAATAATC[G>A]CGCCTCGGATAAACCTCATTGGCTACGATACTGCCACTGCGCAAAGCTGGAAAGGTTCTG-3'

ClinVar aggregate classification (germline): Uncertain significance (1 of 4 stars; one submission).

Conditions:
Motor Disorders. Identifiers: MedGen C0221163.

Submission:

Clinical Genetics Laboratory, Skane University Hospital Lund
Classification: Uncertain significance for Motor Disorders. Last evaluated: 2026-05-22. Review status: criteria provided, single submitter. Criteria: ACMG Guidelines, 2015. Collection method: clinical testing. Allele origin: germline. Affected: yes.
Comment: PM2 and PM3